The following is an entry in ClinVar:

ClinVar aggregate classification (germline): Uncertain significance (1 of 4 stars; one submission).

gnomAD v4.1: 1 of 1,613,556 alleles (0.000062%); highest among the groups gnomAD compares: Non-Finnish European, 0.000085%; no homozygotes.

Submission:

Ambry Genetics
Classification: Uncertain significance. Last evaluated: 2025-08-31. Review status: criteria provided, single submitter. Criteria: Ambry Variant Classification Scheme 2023. Collection method: clinical testing. Allele origin: germline.
Comment: The p.P99L variant (also known as c.296C>T), located in coding exon 2 of the GFI1 gene, results from a C to T substitution at nucleotide position 296. The proline at codon 99 is replaced by leucine, an amino acid with similar properties. This amino acid position is conserved. In addition, this alteration is predicted to be tolerated by in silico analysis. Based on the available evidence, the clinical significance of this variant remains unclear.

NM_005263.5(GFI1):c.296C>T (p.Pro99Leu)

Gene: GFI1 (growth factor independent 1 transcriptional repressor; minus strand). Cytogenetic location: 1p22.1.
Variant type: single nucleotide variant.
Coding change: c.296C>T on transcript NM_005263.5 (MANE Select); coding-DNA position 296, C replaced by T.
Protein change: p.Pro99Leu; replaces proline 99 with leucine.
Molecular consequence: missense variant.
Genome position (GRCh38, 1-based): chr1:92,482,866, G>A on the plus strand (C>T on the coding strand, the complement: GFI1 is on the minus strand). VCF-style: chr1-92482866-G-A. GRCh37 (hg19) VCF-style: chr1-92948423-G-A.
Other names: c.296C>T, p.Pro99Leu (NM_001127215.3, NM_001127216.3); short protein forms P99L.
Identifiers: ClinVar variation 4263248 (VCV004263248.1).